The following is an entry in ClinVar:

ClinVar aggregate classification (germline): Likely benign. Review status: criteria provided, multiple submitters, no conflicts (2 of 4 stars). 4 submissions from 4 submitters: Likely benign (3). 1 of the submissions does not count toward it. Last evaluated 2025-10-01.

Conditions:
CDK5RAP2-related disorder. Also called: CDK5RAP2-related condition.

Allele frequency attached by ClinVar (database versions not stated): ExAC 0.00001; gnomAD 0.00001; TOPMed 0.00001; gnomAD exomes 0.00003.
gnomAD v4.1: 45 of 1,614,028 alleles (0.0028%); highest among the groups gnomAD compares: Non-Finnish European, 0.0033%; no homozygotes.

Submissions (4):

CeGaT Center for Human Genetics Tuebingen
Classification: Likely benign. Last evaluated: 2025-10-01. Review status: criteria provided, single submitter. Criteria: CeGaT Center For Human Genetics Tuebingen Variant Classification Criteria Version 2. Collection method: clinical testing. Allele origin: germline. Affected: yes. Observed: 1 variant allele.
Comment: CDK5RAP2: BP4

Labcorp Genetics (formerly Invitae), Labcorp
Classification: Likely benign. Last evaluated: 2024-09-06. Review status: criteria provided, single submitter. Criteria: Invitae Variant Classification Sherloc (09022015). Collection method: clinical testing. Allele origin: germline.

Blueprint Genetics
Classification: Likely benign. Last evaluated: 2024-07-19. Review status: criteria provided, single submitter. Criteria: ACMG Guidelines, 2015. Collection method: clinical testing. Allele origin: germline.

PreventionGenetics, part of Exact Sciences
Classification: Likely benign for CDK5RAP2-related condition. Last evaluated: 2021-02-10. Review status: no assertion criteria provided. Collection method: clinical testing. Allele origin: germline. Not counted in ClinVar's aggregate classification.
Comment: This variant is classified as likely benign based on ACMG/AMP sequence variant interpretation guidelines (Richards et al. 2015 PMID: 25741868, with internal and published modifications).

NM_018249.6(CDK5RAP2):c.2643C>T (p.Asp881=)

Gene: CDK5RAP2 (CDK5 regulatory subunit associated protein 2; minus strand). Cytogenetic location: 9q33.2.
Variant type: single nucleotide variant.
Coding change: c.2643C>T on transcript NM_018249.6 (MANE Select); coding-DNA position 2643, C replaced by T.
Protein change: p.Asp881=; no amino-acid change (aspartic acid 881 retained).
Molecular consequence: synonymous variant. On other transcripts: non-coding transcript variant (5), intron variant (1).
Genome position (GRCh38, 1-based): chr9:120,453,606, G>A on the plus strand (C>T on the coding strand, the complement: CDK5RAP2 is on the minus strand). VCF-style: chr9-120453606-G-A. GRCh37 (hg19) VCF-style: chr9-123215884-G-A.
Other names: c.2643C>T, p.Asp881= (NM_001011649.3); c.2544C>T, p.Asp848= (NM_001410992.1); c.2547C>T, p.Asp849= (NM_001410993.1); c.2640C>T, p.Asp880= (NM_001410994.1); c.2104-5480C>T (NM_001272039.2); c.2643C>T (NM_018249.5).
Identifiers: ClinVar variation 2190448 (VCV002190448.13), dbSNP rs758681504, ClinGen allele CA5214027.